The following is an entry in ClinVar:

ClinVar aggregate classification (germline): Likely benign (1 of 4 stars; one submission).

Allele frequency attached by ClinVar (database versions not stated): gnomAD 0.00007; gnomAD exomes 0.00007; TOPMed 0.00014; ExAC 0.00019; 1000 Genomes Project 30x 0.00031; 1000 Genomes Project 0.00040.
gnomAD v4.1: 109 of 1,613,932 alleles (0.0068%); highest among the groups gnomAD compares: East Asian, 0.22%; no homozygotes.

Submission:

CeGaT Center for Human Genetics Tuebingen
Classification: Likely benign. Last evaluated: 2022-08-01. Review status: criteria provided, single submitter. Criteria: CeGaT Center For Human Genetics Tuebingen Variant Classification Criteria Version 2. Collection method: clinical testing. Allele origin: germline. Affected: yes. Observed: 1 variant allele.
Comment: CCDC148: BP4

NM_138803.4(CCDC148):c.451C>A (p.His151Asn)

Gene: CCDC148 (coiled-coil domain containing 148; minus strand). Cytogenetic location: 2q24.1.
Variant type: single nucleotide variant.
Coding change: c.451C>A on transcript NM_138803.4 (MANE Select); coding-DNA position 451, C replaced by A.
Protein change: p.His151Asn; replaces histidine 151 with asparagine.
Molecular consequence: missense variant. On other transcripts: intron variant (1).
Genome position (GRCh38, 1-based): chr2:158,340,277, G>T on the plus strand (C>A on the coding strand, the complement: CCDC148 is on the minus strand). VCF-style: chr2-158340277-G-T. GRCh37 (hg19) VCF-style: chr2-159196789-G-T.
Other names: c.451C>A, p.His151Asn (NM_001301685.2); c.48+321C>A (NM_001301684.2); short protein forms H151N.
Identifiers: ClinVar variation 2651446 (VCV002651446.24), dbSNP rs185438286, ClinGen allele CA1920064.